The following is an entry in ClinVar:

ClinVar aggregate classification (germline): Uncertain significance (1 of 4 stars; one submission).

Conditions:
Walker-Warburg congenital muscular dystrophy. Also called: Muscular dystrophy-dystroglycanopathy, type A; Walker-Warburg syndrome. Identifiers: Orphanet 899, MedGen C0265221, MONDO:0000171.

Submission:

Labcorp Genetics (formerly Invitae), Labcorp
Classification: Uncertain significance for Walker-Warburg congenital muscular dystrophy. Last evaluated: 2021-08-13. Review status: criteria provided, single submitter. Criteria: Invitae Variant Classification Sherloc (09022015). Collection method: clinical testing. Allele origin: germline.
Comment: This sequence change replaces tryptophan with leucine at codon 394 of the FKRP protein (p.Trp394Leu). The tryptophan residue is highly conserved and there is a small physicochemical difference between tryptophan and leucine. This variant is not present in population databases (ExAC no frequency). This variant has not been reported in the literature in individuals affected with FKRP-related conditions. Algorithms developed to predict the effect of missense changes on protein structure and function are either unavailable or do not agree on the potential impact of this missense change (SIFT: "Deleterious"; PolyPhen-2: "Probably Damaging"; Align-GVGD: "Class C0"). In summary, the available evidence is currently insufficient to determine the role of this variant in disease. Therefore, it has been classified as a Variant of Uncertain Significance.

NM_024301.5(FKRP):c.1181G>T (p.Trp394Leu)

Gene: FKRP (fukutin related protein; plus strand). Cytogenetic location: 19q13.32.
Variant type: single nucleotide variant.
Coding change: c.1181G>T on transcript NM_024301.5 (MANE Select); coding-DNA position 1181, G replaced by T.
Protein change: p.Trp394Leu; replaces tryptophan 394 with leucine.
Molecular consequence: missense variant.
Genome position (GRCh38, 1-based): chr19:46,756,631, G>T. VCF-style: chr19-46756631-G-T. GRCh37 (hg19) VCF-style: chr19-47259888-G-T.
Other names: c.1181G>T, p.Trp394Leu (NM_001039885.3); short protein forms W394L.
Identifiers: ClinVar variation 1989855 (VCV001989855.1), dbSNP rs2513997562, ClinGen allele CA406496809.